The following is an entry in ClinVar:

NM_005687.5(FARSB):c.1619-9C>G

Gene: FARSB (phenylalanyl-tRNA synthetase subunit beta; minus strand). Cytogenetic location: 2q36.1.
Variant type: single nucleotide variant.
Coding change: c.1619-9C>G on transcript NM_005687.5 (MANE Select); 9 bases into the intron before coding-DNA position 1619, C replaced by G.
Molecular consequence: intron variant.
Genome position (GRCh38, 1-based): chr2:222,572,031, G>C on the plus strand (C>G on the coding strand, the complement: FARSB is on the minus strand). VCF-style: chr2-222572031-G-C. GRCh37 (hg19) VCF-style: chr2-223436750-G-C.
Other names: c.1619-9C>G (NM_005687.4).
Identifiers: ClinVar variation 1592053 (VCV001592053.11), dbSNP rs201693414, ClinGen allele CA2136293.

ClinVar aggregate classification (germline): Likely benign. Review status: criteria provided, single submitter (1 of 4 stars). 2 submissions from 2 submitters: Likely benign (1). 1 of the submissions does not count toward it. Last evaluated 2026-01-19.

Conditions:
FARSB-related disorder. Also called: FARSB-related condition.

Allele frequency attached by ClinVar (database versions not stated): 1000 Genomes Project 30x 0.00016; ExAC 0.00017; gnomAD exomes 0.00018; 1000 Genomes Project 0.00020; gnomAD 0.00020 and 0.00023; TOPMed 0.00022; ESP Exome Variant Server 0.00031.
gnomAD v4.1: 345 of 1,604,250 alleles (0.022%); highest among the groups gnomAD compares: Middle Eastern, 0.085%; 3 homozygotes.

Submissions (3):

Labcorp Genetics (formerly Invitae), Labcorp
Classification: Likely benign. Last evaluated: 2026-01-19. Review status: criteria provided, single submitter. Criteria: Invitae Variant Classification Sherloc (09022015). Collection method: clinical testing. Allele origin: germline.

PreventionGenetics, part of Exact Sciences
Classification: Likely benign for FARSB-related condition. Last evaluated: 2019-03-25. Review status: no assertion criteria provided. Collection method: clinical testing. Allele origin: germline. Not counted in ClinVar's aggregate classification.
Comment: This variant is classified as likely benign based on ACMG/AMP sequence variant interpretation guidelines (Richards et al. 2015 PMID: 25741868, with internal and published modifications).

Dr. Peter K. Rogan Lab, Western University
No classification provided (evidence only). Condition: Chronic lymphocytic leukemia/small lymphocytic lymphoma. Review status: no classification provided. Collection method: in vitro. Allele origin: not applicable. Functional consequence: retained intron. Not counted in ClinVar's aggregate classification.